The following is an entry in ClinVar:

ClinVar aggregate classification (germline): Pathogenic/Likely pathogenic. Review status: criteria provided, multiple submitters, no conflicts (2 of 4 stars). 5 submissions from 5 submitters: Pathogenic (2); Likely pathogenic (2). 1 of the submissions does not count toward it. Last evaluated 2026-01-13.

Conditions:
Cobalamin C disease. Also called: Cobalamin-C methylmalonic acidemia and homocystinuria; Methylmalonic acidemia and homocystinuria cblC type; Methylmalonic aciduria and homocystinuria, Vitamin B12-responsive; Vitamin B12 metabolic defect with combined deficiency of methylmalonyl-CoA mutase and homocysteine:methyltetrahydrofolate methyltransferase; methylmalonic aciduria and homocystinuria type cblC; Methylmalonic aciduria with homocystinuria cblC type. Identifiers: Orphanet 26, Orphanet 79282, MedGen C1848561, MONDO:0010184, OMIM 277400.

Allele frequency attached by ClinVar (database versions not stated): gnomAD exomes below 0.00001; gnomAD 0.00001; TOPMed 0.00002.

Submissions (5):

Labcorp Genetics (formerly Invitae), Labcorp
Classification: Pathogenic for Cobalamin C disease. Last evaluated: 2026-01-13. Review status: criteria provided, single submitter. Criteria: Invitae Variant Classification Sherloc (09022015). Collection method: clinical testing. Allele origin: germline.
Comment: This sequence change creates a premature translational stop signal (p.Tyr129Thrfs*35) in the MMACHC gene. While this is not anticipated to result in nonsense mediated decay, it is expected to disrupt the last 154 amino acid(s) of the MMACHC protein. This variant is present in population databases (no rsID available, gnomAD 0.007%). This variant has not been reported in the literature in individuals affected with MMACHC-related conditions. ClinVar contains an entry for this variant (Variation ID: 558102). This variant disrupts a region of the MMACHC protein in which other variant(s) (p.Tyr222*) have been determined to be pathogenic (PMID: 16311595, 19767224, 30157807). This suggests that this is a clinically significant region of the protein, and that variants that disrupt it are likely to be disease-causing. For these reasons, this variant has been classified as Pathogenic.

Natera, Inc.
Classification: Likely pathogenic for Methylmalonic aciduria and homocystinuria cblC type. Last evaluated: 2024-07-17. Review status: criteria provided, single submitter. Criteria: Natera Variant Classification Schema (03/2026). Collection method: clinical testing. Allele origin: germline.
Comment: The c.384delC variant in MMACHC is a frameshift variant predicted to shift the reading frame beginning at codon 129 and leads to a stop codon 35 codons downstream. This variant is expected to result in nonsense mediated decay, truncation, or a dysfunctional protein product. This variant is rare in the general population with a frequency below the threshold expected for the associated phenotype(s). Given the available evidence, this variant is classified as Likely Pathogenic.

Baylor Genetics
Classification: Likely pathogenic for Cobalamin C disease. Last evaluated: 2023-10-18. Review status: criteria provided, single submitter. Criteria: ACMG Guidelines, 2015. Collection method: clinical testing. Allele origin: unknown.

Genome-Nilou Lab
Classification: Pathogenic for Cobalamin C disease. Last evaluated: 2023-04-11. Review status: criteria provided, single submitter. Criteria: ACMG Guidelines, 2015. Collection method: clinical testing. Allele origin: germline. Affected: no.

Counsyl
Classification: Likely pathogenic for Cobalamin C disease. Last evaluated: 2018-05-01. Review status: no assertion criteria provided. Collection method: clinical testing. Allele origin: unknown. Not counted in ClinVar's aggregate classification.

Literature cited by the submitters: PubMed 16311595 (cited by Labcorp Genetics (formerly Invitae), Labcorp); PubMed 19767224 (cited by Labcorp Genetics (formerly Invitae), Labcorp); PubMed 30157807 (cited by Labcorp Genetics (formerly Invitae), Labcorp).

NM_015506.3(MMACHC):c.384del (p.Tyr129fs)

Gene: MMACHC (metabolism of cobalamin associated C; plus strand). Cytogenetic location: 1p34.1.
Variant type: Deletion.
Coding change: c.384del on transcript NM_015506.3 (MANE Select); coding-DNA position 384, one base deleted (C; older notation c.384delC).
Protein change: p.Tyr129fs; shifts the reading frame from tyrosine 129.
Molecular consequence: frameshift variant.
Genome position (GRCh38, 1-based): chr1:45,508,319, C deleted. VCF-style (leftmost placement, unchanged base first): chr1-45508318-AC-A. GRCh37 (hg19) VCF-style: chr1-45973990-AC-A.
Other names: c.213del, p.Tyr72fs (NM_001330540.2); short protein forms Y129fs, Y72fs.
Identifiers: ClinVar variation 558102 (VCV000558102.13), dbSNP rs1347498294, ClinGen allele CA522810654.